The following is an entry in ClinVar:

ClinVar aggregate classification (germline): Uncertain significance (1 of 4 stars; one submission).

Allele frequency attached by ClinVar (database versions not stated): gnomAD exomes below 0.00001.
gnomAD v4.1: 5 of 1,613,358 alleles (0.00031%); highest among the groups gnomAD compares: South Asian, 0.0055%; no homozygotes.

Submission:

Labcorp Genetics (formerly Invitae), Labcorp
Classification: Uncertain significance. Last evaluated: 2023-02-19. Review status: criteria provided, single submitter. Criteria: Invitae Variant Classification Sherloc (09022015). Collection method: clinical testing. Allele origin: germline.
Comment: This sequence change replaces glycine, which is neutral and non-polar, with glutamic acid, which is acidic and polar, at codon 1176 of the ERBB2 protein (p.Gly1176Glu). In summary, the available evidence is currently insufficient to determine the role of this variant in disease. Therefore, it has been classified as a Variant of Uncertain Significance. An algorithm developed to predict the effect of missense changes on protein structure and function (PolyPhen-2) suggests that this variant is likely to be disruptive. This variant has not been reported in the literature in individuals affected with ERBB2-related conditions. This variant is present in population databases (no rsID available, gnomAD 0.003%).

NM_004448.4(ERBB2):c.3527G>A (p.Gly1176Glu)

Gene: ERBB2 (erb-b2 receptor tyrosine kinase 2; plus strand). Cytogenetic location: 17q12.
Variant type: single nucleotide variant.
Coding change: c.3527G>A on transcript NM_004448.4 (MANE Select); coding-DNA position 3527, G replaced by A.
Protein change: p.Gly1176Glu; replaces glycine 1176 with glutamic acid.
Molecular consequence: missense variant. On other transcripts: 3 prime UTR variant (2), non-coding transcript variant (1).
Genome position (GRCh38, 1-based): chr17:39,727,803, G>A. VCF-style: chr17-39727803-G-A. GRCh37 (hg19) VCF-style: chr17-37884056-G-A.
Other names: c.3479G>A, p.Gly1160Glu (NM_001382795.1); c.3440G>A, p.Gly1147Glu (NM_001382796.1); c.3428G>A, p.Gly1143Glu (NM_001382797.1); c.3371G>A, p.Gly1124Glu (NM_001382798.1); c.3347G>A, p.Gly1116Glu (NM_001382799.1); c.3341G>A, p.Gly1114Glu (NM_001382800.1); c.3323G>A, p.Gly1108Glu (NM_001382801.1); c.3269G>A, p.Gly1090Glu (NM_001382802.1); and 16 more; short protein forms G1090E, G1108E, G1114E, G1116E, G1143E, G1147E, G1164E, G1176E.
Identifiers: ClinVar variation 2786362 (VCV002786362.3), dbSNP rs1365431216, ClinGen allele CA399313337.